The following is an entry in ClinVar:

ClinVar aggregate classification (germline): Uncertain significance. Review status: criteria provided, multiple submitters, no conflicts (2 of 4 stars). 2 submissions from 2 submitters: Uncertain significance (2). Last evaluated 2025-11-12.

Allele frequency attached by ClinVar (database versions not stated): gnomAD 0.00002; TOPMed 0.00001; gnomAD exomes 0.00004 and 0.00006; ExAC 0.00020.

Submissions (2):

Ambry Genetics
Classification: Uncertain significance. Last evaluated: 2025-11-12. Review status: criteria provided, single submitter. Criteria: Ambry Variant Classification Scheme 2023. Collection method: clinical testing. Allele origin: germline.

Labcorp Genetics (formerly Invitae), Labcorp
Classification: Uncertain significance. Last evaluated: 2022-08-15. Review status: criteria provided, single submitter. Criteria: Invitae Variant Classification Sherloc (09022015). Collection method: clinical testing. Allele origin: germline.
Comment: This sequence change replaces leucine, which is neutral and non-polar, with valine, which is neutral and non-polar, at codon 30 of the LIPT2 protein (p.Leu30Val). This variant is present in population databases (rs750561864, gnomAD 0.07%). This variant has not been reported in the literature in individuals affected with LIPT2-related conditions. ClinVar contains an entry for this variant (Variation ID: 1432530). Algorithms developed to predict the effect of missense changes on protein structure and function are either unavailable or do not agree on the potential impact of this missense change (SIFT: "Not Available"; PolyPhen-2: "Benign"; Align-GVGD: "Not Available"). In summary, the available evidence is currently insufficient to determine the role of this variant in disease. Therefore, it has been classified as a Variant of Uncertain Significance.

NM_001144869.3(LIPT2):c.88C>G (p.Leu30Val)

Genes: LIPT2 (lipoyl(octanoyl) transferase 2; minus strand), LIPT2-AS1 (LIPT2 antisense RNA 1; plus strand). Cytogenetic location: 11q13.4.
Variant type: single nucleotide variant.
Coding change: c.88C>G on transcript NM_001144869.3 (MANE Select); coding-DNA position 88, C replaced by G.
Protein change: p.Leu30Val; replaces leucine 30 with valine.
Molecular consequence: missense variant. On other transcripts: non-coding transcript variant (1).
Genome position (GRCh38, 1-based): chr11:74,493,616, G>C on the plus strand (C>G on the coding strand, the complement: LIPT2 is on the minus strand). VCF-style: chr11-74493616-G-C. GRCh37 (hg19) VCF-style: chr11-74204661-G-C.
Other names: c.88C>G, p.Leu30Val (NM_001329941.2, NM_001329942.2); c.88C>G (NM_001144869.1); short protein forms L30V.
Identifiers: ClinVar variation 1432530 (VCV001432530.5), dbSNP rs750561864, ClinGen allele CA6184936.